The following is an entry in ClinVar:

NM_024422.6(DSC2):c.1873C>G (p.Leu625Val)

Gene: DSC2 (desmocollin 2; minus strand). Cytogenetic location: 18q12.1.
Variant type: single nucleotide variant.
Coding change: c.1873C>G on transcript NM_024422.6 (MANE Select); coding-DNA position 1873, C replaced by G.
Protein change: p.Leu625Val; replaces leucine 625 with valine.
Molecular consequence: missense variant.
Genome position (GRCh38, 1-based): chr18:31,074,698, G>C on the plus strand (C>G on the coding strand, the complement: DSC2 is on the minus strand). VCF-style: chr18-31074698-G-C. GRCh37 (hg19) VCF-style: chr18-28654664-G-C.
Other names: c.1444C>G, p.Leu482Val (NM_001406506.1, NM_001406507.1); c.1873C>G, p.Leu625Val (NM_004949.5); short protein forms L625V, L482V.
Identifiers: ClinVar variation 1781728 (VCV001781728.2), dbSNP rs2510942636, ClinGen allele CA402113739.

ClinVar aggregate classification (germline): Uncertain significance (1 of 4 stars; one submission).

Conditions:
Cardiovascular phenotype. Identifiers: MedGen CN230736.

Submission:

Ambry Genetics
Classification: Uncertain significance for Cardiovascular phenotype. Last evaluated: 2021-10-21. Review status: criteria provided, single submitter. Criteria: Ambry Variant Classification Scheme 2023. Collection method: clinical testing. Allele origin: germline.
Comment: The p.L625V variant (also known as c.1873C>G), located in coding exon 12 of the DSC2 gene, results from a C to G substitution at nucleotide position 1873. The leucine at codon 625 is replaced by valine, an amino acid with highly similar properties. This amino acid position is conserved. In addition, this alteration is predicted to be tolerated by in silico analysis. Since supporting evidence is limited at this time, the clinical significance of this alteration remains unclear.